The following is an entry in ClinVar:

NM_000075.4(CDK4):c.332G>C (p.Gly111Ala)

Gene: CDK4 (cyclin dependent kinase 4; minus strand). Cytogenetic location: 12q14.1.
Variant type: single nucleotide variant.
Coding change: c.332G>C on transcript NM_000075.4 (MANE Select); coding-DNA position 332, G replaced by C.
Protein change: p.Gly111Ala; replaces glycine 111 with alanine.
Molecular consequence: missense variant.
Genome position (GRCh38, 1-based): chr12:57,751,229, C>G on the plus strand (G>C on the coding strand, the complement: CDK4 is on the minus strand). VCF-style: chr12-57751229-C-G. GRCh37 (hg19) VCF-style: chr12-58145012-C-G.
Other names: short protein forms G111A.
Identifiers: ClinVar variation 3489499 (VCV003489499.1).

ClinVar aggregate classification (germline): Uncertain significance (1 of 4 stars; one submission).

Conditions:
Hereditary cancer-predisposing syndrome. Also called: Tumor predisposition; Neoplastic Syndromes, Hereditary; Hereditary Cancer Syndrome; Hereditary neoplastic syndrome. Identifiers: Orphanet 140162, MedGen C0027672, MeSH D009386, MONDO:0015356.

gnomAD v4.1: 1 of 1,614,208 alleles (0.000062%); highest among the groups gnomAD compares: South Asian, 0.0011%; no homozygotes.

Submission:

Ambry Genetics
Classification: Uncertain significance for Hereditary cancer-predisposing syndrome. Last evaluated: 2024-08-21. Review status: criteria provided, single submitter. Criteria: Ambry Variant Classification Scheme 2023. Collection method: clinical testing. Allele origin: germline.
Comment: The p.G111A variant (also known as c.332G>C), located in coding exon 2 of the CDK4 gene, results from a G to C substitution at nucleotide position 332. The glycine at codon 111 is replaced by alanine, an amino acid with similar properties. This amino acid position is conserved. In addition, the in silico prediction for this alteration is inconclusive. Based on the available evidence, the clinical significance of this variant remains unclear.